The following is an entry in ClinVar:

NM_001958.5(EEF1A2):c.633C>T (p.Phe211=)

Gene: EEF1A2 (eukaryotic translation elongation factor 1 alpha 2; minus strand). Cytogenetic location: 20q13.33.
Variant type: single nucleotide variant.
Coding change: c.633C>T on transcript NM_001958.5 (MANE Select); coding-DNA position 633, C replaced by T.
Protein change: p.Phe211=; no amino-acid change (phenylalanine 211 retained).
Molecular consequence: synonymous variant.
Genome position (GRCh38, 1-based): chr20:63,493,276, G>A on the plus strand (C>T on the coding strand, the complement: EEF1A2 is on the minus strand). VCF-style: chr20-63493276-G-A. GRCh37 (hg19) VCF-style: chr20-62124629-G-A.
Identifiers: ClinVar variation 390174 (VCV000390174.1), dbSNP rs1057523670, ClinGen allele CA16608465.

ClinVar aggregate classification (germline): Likely benign (1 of 4 stars; one submission).

Allele frequency attached by ClinVar (database versions not stated): gnomAD exomes below 0.00001.
gnomAD v4.1: 3 of 1,521,950 alleles (0.0002%); highest among the groups gnomAD compares: Non-Finnish European, 0.00027%; no homozygotes.

Submission:

GeneDx
Classification: Likely benign. Last evaluated: 2016-10-26. Review status: criteria provided, single submitter. Criteria: GeneDx Variant Classification (06012015). Collection method: clinical testing. Allele origin: germline. Affected: yes.
Comment: This variant is considered likely benign or benign based on one or more of the following criteria: it is a conservative change, it occurs at a poorly conserved position in the protein, it is predicted to be benign by multiple in silico algorithms, and/or has population frequency not consistent with disease.